The following is an entry in ClinVar:

ClinVar aggregate classification (germline): Likely pathogenic (1 of 4 stars; one submission).

Conditions:
Microcephaly 5, primary, autosomal recessive (MCPH5). Also called: ASPM Primary Microcephaly. Identifiers: Orphanet 2512, MedGen C1837501, MONDO:0012106, OMIM 608716.

Submission:

Department of Molecular Genetics, Istishari Arab Hospital
Classification: Likely pathogenic for Microcephaly 5, primary, autosomal recessive. Last evaluated: 2026-08-06. Review status: criteria provided, single submitter. Criteria: ACMG Guidelines, 2015. Collection method: clinical testing. Allele origin: germline. Inheritance: Autosomal recessive inheritance. Affected: yes.
Comment: The ASPM variant c.5364C>G, p.Tyr1788* introduces a premature termination codon at codon 1788 in exon 18 (out of 28 exons). The variant is not observed in the gnomAD v4.1.0 dataset, and to the best of our knowledge, it was not previously reported in the literature. It is classified as likely pathogenic according to the recommendations of ACMG/AMP/ClinGen SVI guidelines.

NM_018136.5(ASPM):c.5364C>G (p.Tyr1788Ter)

Gene: ASPM (assembly factor for spindle microtubules; minus strand). Cytogenetic location: 1q31.3.
Variant type: single nucleotide variant.
Coding change: c.5364C>G on transcript NM_018136.5 (MANE Select); coding-DNA position 5364, C replaced by G.
Protein change: p.Tyr1788Ter; replaces tyrosine 1788 with a stop codon.
Molecular consequence: nonsense. On other transcripts: intron variant (1).
Genome position (GRCh38, 1-based): chr1:197,103,887, G>C on the plus strand (C>G on the coding strand, the complement: ASPM is on the minus strand). VCF-style: chr1-197103887-G-C. GRCh37 (hg19) VCF-style: chr1-197073017-G-C.
Other names: p.Tyr1788*; c.4066-7723C>G (NM_001206846.2); short protein forms Y1788*.
Identifiers: ClinVar variation 4880357 (VCV004880357.1).